The following is an entry in ClinVar:

NM_001278716.2(FBXL4):c.1195A>T (p.Met399Leu)

Gene: FBXL4 (F-box and leucine rich repeat protein 4; minus strand). Cytogenetic location: 6q16.1.
Variant type: single nucleotide variant.
Coding change: c.1195A>T on transcript NM_001278716.2 (MANE Select); coding-DNA position 1195, A replaced by T.
Protein change: p.Met399Leu; replaces methionine 399 with leucine.
Molecular consequence: missense variant. On other transcripts: non-coding transcript variant (2).
Genome position (GRCh38, 1-based): chr6:98,899,390, T>A on the plus strand (A>T on the coding strand, the complement: FBXL4 is on the minus strand). VCF-style: chr6-98899390-T-A. GRCh37 (hg19) VCF-style: chr6-99347266-T-A.
Other names: c.1195A>T, p.Met399Leu (NM_012160.5); short protein forms M399L.
Identifiers: ClinVar variation 437711 (VCV000437711.1), dbSNP rs777022919, ClinGen allele CA3933505.
Genomic context (GRCh38, chr6:98,899,390, plus strand): 5'-AAGCTTGAGGTGGTAGCTTATCACAGGAGGAGAGATTTAAGGCCTGTAGATTTGGACACA[T>A]CTCAGAAATAACTTCTAAGCAAGTTTCATTAAGAAAGTGGCTGCAAGACAATTCAAGGCG-3'
Protein context (NP_001265645.1, residues 389-409): NETCLEVISE[Met399Leu]CPNLQALNLS

ClinVar aggregate classification (germline): Uncertain significance (1 of 4 stars; one submission).

Conditions:
Mitochondrial DNA depletion syndrome 13. Also called: FBXL4-Related Encephalomyopathic Mitochondrial DNA Depletion Syndrome; Mitochondrial DNA depletion syndrome 13 (encephalomyopathic type). Identifiers: Orphanet 369897, MedGen C3809592, MONDO:0014198, OMIM 615471.

Allele frequency attached by ClinVar (database versions not stated): gnomAD exomes below 0.00001; ExAC 0.00001; gnomAD 0.00001; TOPMed 0.00001.
gnomAD v4.1: 3 of 1,613,864 alleles (0.00019%); highest among the groups gnomAD compares: Non-Finnish European, 0.00025%; no homozygotes.

Submission:

Wong Mito Lab, Molecular and Human Genetics, Baylor College of Medicine
Classification: Uncertain significance for Mitochondrial DNA depletion syndrome 13. Last evaluated: 2017-08-10. Review status: criteria provided, single submitter. Criteria: ACMG Guidelines, 2015. Collection method: reference population. Allele origin: germline.
Comment: The NM_012160.4:c.1195A>T (NP_036292.2:p.Met399Leu) [GRCH38: NC_000006.12:g.98899390T>A] variant in FBXL4 gene is interpretated to be a Uncertain Significance - Conflicting Evidence based on ACMG guidelines (PMID: 25741868). This variant meets one or more of the following evidence codes reported in the ACMG-guideline. PM2:This variant is absent in key population databases. BP4:Computational evidence/predictors indicate no impact on the FBXL4 structure, function, or protein-protein interaction. Based on this evidence code ClinGen Pathogenicity Calculator (PMID:28081714) suggested that the variant is Uncertain Significance - Conflicting Evidence.